The following is an entry in ClinVar:

ClinVar aggregate classification (germline): Uncertain significance (1 of 4 stars; one submission).

Submission:

Labcorp Genetics (formerly Invitae), Labcorp
Classification: Uncertain significance. Last evaluated: 2022-05-12. Review status: criteria provided, single submitter. Criteria: Invitae Variant Classification Sherloc (09022015). Collection method: clinical testing. Allele origin: germline.
Comment: This variant, c.360_362del, results in the deletion of 1 amino acid(s) of the IRF2BP2 protein (p.Ala123del), but otherwise preserves the integrity of the reading frame. In summary, the available evidence is currently insufficient to determine the role of this variant in disease. Therefore, it has been classified as a Variant of Uncertain Significance. Experimental studies and prediction algorithms are not available or were not evaluated, and the functional significance of this variant is currently unknown. This variant has not been reported in the literature in individuals affected with IRF2BP2-related conditions. This variant is present in population databases (no rsID available, gnomAD 0.01%).

NM_182972.3(IRF2BP2):c.357GGC[1] (p.Ala123del)

Genes: IRF2BP2 (interferon regulatory factor 2 binding protein 2; minus strand), LOC129932812 (ATAC-STARR-seq lymphoblastoid silent region 1977; plus strand). Cytogenetic location: 1q42.3.
Variant type: Microsatellite.
Coding change: c.357GGC[1] on transcript NM_182972.3 (MANE Select); one copy of the 3-base unit GGC starting at c.357; the reference has two copies in a row; one copy, 3 bases deleted.
Protein change: p.Ala123del; deletes alanine 123.
Molecular consequence: inframe deletion.
Genome position (GRCh38, 1-based): chr1:234,609,133-234,609,135, GCC deleted on the plus strand (GGC on the coding strand, the reverse complement: IRF2BP2 is on the minus strand); deleting any 3 consecutive bases within chr1:234,609,133-234,609,138 gives the same sequence; the position shown is the placement nearest the transcript's 3' end. VCF-style (leftmost placement, unchanged base first): chr1-234609132-GGCC-G. GRCh37 (hg19) VCF-style: chr1-234744878-GGCC-G.
Other names: c.357GGC[1], p.Ala123del (NM_001077397.1); short protein forms A123del.
Identifiers: ClinVar variation 1382262 (VCV001382262.6), dbSNP rs1417571281, ClinGen allele CA529918211.